The following is an entry in ClinVar:

NM_000426.4(LAMA2):c.4790A>T (p.Asn1597Ile)

Gene: LAMA2 (laminin subunit alpha 2; plus strand). Cytogenetic location: 6q22.33.
Variant type: single nucleotide variant.
Coding change: c.4790A>T on transcript NM_000426.4 (MANE Select); coding-DNA position 4790, A replaced by T.
Protein change: p.Asn1597Ile; replaces asparagine 1597 with isoleucine.
Molecular consequence: missense variant.
Genome position (GRCh38, 1-based): chr6:129,366,291, A>T. VCF-style: chr6-129366291-A-T. GRCh37 (hg19) VCF-style: chr6-129687436-A-T.
Other names: c.4790A>T, p.Asn1597Ile (NM_001079823.2); short protein forms N1597I.
Identifiers: ClinVar variation 355271 (VCV000355271.8), dbSNP rs566008145, ClinGen allele CA10622902.

ClinVar aggregate classification (germline): Uncertain significance. Review status: criteria provided, multiple submitters, no conflicts (2 of 4 stars). 3 submissions from 3 submitters: Uncertain significance (3). Last evaluated 2024-08-20.

Conditions:
Congenital muscular dystrophy due to partial LAMA2 deficiency. Identifiers: MedGen C1842898.
LAMA2-related muscular dystrophy (LAMA2-RD). Also called: Laminin alpha 2-related dystrophy. Identifiers: MedGen C5679788, MONDO:0100228.

gnomAD v4.1: 2 of 1,613,712 alleles (0.00012%); highest among the groups gnomAD compares: Admixed American, 0.0033%; no homozygotes.

Submissions (3):

Blueprint Genetics
Classification: Uncertain significance. Last evaluated: 2024-08-20. Review status: criteria provided, single submitter. Criteria: ACMG Guidelines, 2015. Collection method: clinical testing. Allele origin: germline.

Labcorp Genetics (formerly Invitae), Labcorp
Classification: Uncertain significance for LAMA2-related muscular dystrophy. Last evaluated: 2022-01-10. Review status: criteria provided, single submitter. Criteria: Invitae Variant Classification Sherloc (09022015). Collection method: clinical testing. Allele origin: germline.
Comment: This sequence change replaces asparagine, which is neutral and polar, with isoleucine, which is neutral and non-polar, at codon 1597 of the LAMA2 protein (p.Asn1597Ile). This variant is present in population databases (no rsID available, gnomAD 0.003%). This variant has not been reported in the literature in individuals affected with LAMA2-related conditions. ClinVar contains an entry for this variant (Variation ID: 355271). Advanced modeling of protein sequence and biophysical properties (such as structural, functional, and spatial information, amino acid conservation, physicochemical variation, residue mobility, and thermodynamic stability) performed at Invitae indicates that this missense variant is not expected to disrupt LAMA2 protein function. In summary, the available evidence is currently insufficient to determine the role of this variant in disease. Therefore, it has been classified as a Variant of Uncertain Significance.

Illumina Laboratory Services, Illumina
Classification: Uncertain significance for Congenital muscular dystrophy due to partial LAMA2 deficiency. Last evaluated: 2018-01-13. Review status: criteria provided, single submitter. Criteria: ICSL Variant Classification Criteria 13 December 2019. Collection method: clinical testing. Allele origin: germline.